The following is an entry in ClinVar:

ClinVar aggregate classification (germline): Uncertain significance (1 of 4 stars; one submission).

Submission:

GeneDx
Classification: Uncertain significance. Last evaluated: 2024-07-22. Review status: criteria provided, single submitter. Criteria: GeneDx Variant Classification Process June 2021. Collection method: clinical testing. Allele origin: germline. Affected: yes.
Comment: Not observed at significant frequency in large population cohorts (gnomAD); In silico analysis indicates that this missense variant does not alter protein structure/function; Has not been previously published as pathogenic or benign to our knowledge

NM_006445.4(PRPF8):c.592G>C (p.Glu198Gln)

Gene: PRPF8 (pre-mRNA processing factor 8; minus strand). Cytogenetic location: 17p13.3.
Variant type: single nucleotide variant.
Coding change: c.592G>C on transcript NM_006445.4 (MANE Select); coding-DNA position 592, G replaced by C.
Protein change: p.Glu198Gln; replaces glutamic acid 198 with glutamine.
Molecular consequence: missense variant.
Genome position (GRCh38, 1-based): chr17:1,681,881, C>G on the plus strand (G>C on the coding strand, the complement: PRPF8 is on the minus strand). VCF-style: chr17-1681881-C-G. GRCh37 (hg19) VCF-style: chr17-1585175-C-G.
Other names: short protein forms E198Q.
Identifiers: ClinVar variation 3600831 (VCV003600831.1).